The following is an entry in ClinVar:

NM_033026.6(PCLO):c.6770C>G (p.Ala2257Gly)

Gene: PCLO (piccolo presynaptic cytomatrix protein; minus strand). Cytogenetic location: 7q21.11.
Variant type: single nucleotide variant.
Coding change: c.6770C>G on transcript NM_033026.6 (MANE Select); coding-DNA position 6770, C replaced by G.
Protein change: p.Ala2257Gly; replaces alanine 2257 with glycine.
Molecular consequence: missense variant.
Genome position (GRCh38, 1-based): chr7:82,954,183, G>C on the plus strand (C>G on the coding strand, the complement: PCLO is on the minus strand). VCF-style: chr7-82954183-G-C. GRCh37 (hg19) VCF-style: chr7-82583499-G-C.
Other names: c.6770C>G, p.Ala2257Gly (NM_014510.3); short protein forms A2257G.
Identifiers: ClinVar variation 1391983 (VCV001391983.6), dbSNP rs2116444876, ClinGen allele CA367918387.

ClinVar aggregate classification (germline): Uncertain significance (1 of 4 stars; one submission).

Allele frequency attached by ClinVar (database versions not stated): gnomAD exomes 0.00002.
gnomAD v4.1: 24 of 1,613,464 alleles (0.0015%); highest among the groups gnomAD compares: Non-Finnish European, 0.0019%; no homozygotes.

Submission:

Labcorp Genetics (formerly Invitae), Labcorp
Classification: Uncertain significance. Last evaluated: 2025-07-07. Review status: criteria provided, single submitter. Criteria: Invitae Variant Classification Sherloc (09022015). Collection method: clinical testing. Allele origin: germline.
Comment: This sequence change replaces alanine, which is neutral and non-polar, with glycine, which is neutral and non-polar, at codon 2257 of the PCLO protein (p.Ala2257Gly). This variant is not present in population databases (gnomAD no frequency). This variant has not been reported in the literature in individuals affected with PCLO-related conditions. ClinVar contains an entry for this variant (Variation ID: 1391983). Experimental studies and prediction algorithms are not available or were not evaluated, and the functional significance of this variant is currently unknown. In summary, the available evidence is currently insufficient to determine the role of this variant in disease. Therefore, it has been classified as a Variant of Uncertain Significance.